The following is an entry in ClinVar:

ClinVar aggregate classification (germline): Pathogenic. Review status: criteria provided, multiple submitters, no conflicts (2 of 4 stars). 3 submissions from 3 submitters: Pathogenic (3). Last evaluated 2026-01-01.

Conditions:
Aicardi-Goutieres syndrome 2. Identifiers: Orphanet 51, MedGen C3489724, MONDO:0012429, OMIM 610181.
Aicardi Goutieres syndrome (AGS). Also called: Encephalopathy, familial infantile, with calcification of basal ganglia and chronic cerebrospinal fluid lymphocytosis. Identifiers: Orphanet 51, MedGen C0393591, MONDO:0018866.

Allele frequency attached by ClinVar (database versions not stated): gnomAD exomes below 0.00001.
gnomAD v4.1: 6 of 1,610,830 alleles (0.00037%); highest among the groups gnomAD compares: Non-Finnish European, 0.00034%; no homozygotes.

Submissions (3):

Labcorp Genetics (formerly Invitae), Labcorp
Classification: Pathogenic for Aicardi-Goutieres syndrome 2. Last evaluated: 2026-01-01. Review status: criteria provided, single submitter. Criteria: Invitae Variant Classification Sherloc (09022015). Collection method: clinical testing. Allele origin: germline.
Comment: This sequence change creates a premature translational stop signal (p.Gln111*) in the RNASEH2B gene. It is expected to result in an absent or disrupted protein product. Loss-of-function variants in RNASEH2B are known to be pathogenic (PMID: 17846997). This variant is not present in population databases (gnomAD no frequency). This variant has not been reported in the literature in individuals affected with RNASEH2B-related conditions. ClinVar contains an entry for this variant (Variation ID: 1456507). For these reasons, this variant has been classified as Pathogenic.

Myriad Genetics, Inc.
Classification: Pathogenic for Aicardi-Goutieres syndrome 2. Last evaluated: 2024-06-25. Review status: criteria provided, single submitter. Criteria: Myriad Autosomal Dominant, Autosomal Recessive and X-Linked Classification Criteria (2023). Collection method: clinical testing. Allele origin: unknown.
Comment: NM_024570.3(RNASEH2B):c.331C>T(Q111*) is expected to be pathogenic in the context of Aicardi-Goutieres syndrome, RNASEH2B-related. This variant is predicted to lead to an abnormal or absent protein product due to the creation of a premature termination codon in RNASEH2B, a gene where loss-of-function variants are known to be pathogenic. Please note: this variant was assessed in the context of healthy population screening.

Women's Health and Genetics/Laboratory Corporation of America, LabCorp
Classification: Pathogenic for Aicardi Goutieres syndrome. Last evaluated: 2023-05-22. Review status: criteria provided, single submitter. Criteria: LabCorp Variant Classification Summary - May 2015. Collection method: clinical testing. Allele origin: germline.
Comment: Variant summary: RNASEH2B c.331C>T (p.Gln111X) results in a premature termination codon, predicted to cause a truncation of the encoded protein or absence of the protein due to nonsense mediated decay, which are commonly known mechanisms for disease. The variant was absent in 249388 control chromosomes (gnomAD). To our knowledge, no occurrence of c.331C>T in individuals affected with Aicardi Goutieres Syndrome and no experimental evidence demonstrating its impact on protein function have been reported. One ClinVar submitter has assessed the variant since 2014: the variant was classified as pathogenic. Based on the evidence outlined above, the variant was classified as pathogenic.

Literature cited by the submitters: PubMed 17846997 (cited by Labcorp Genetics (formerly Invitae), Labcorp).

NM_024570.4(RNASEH2B):c.331C>T (p.Gln111Ter)

Gene: RNASEH2B (ribonuclease H2 subunit B; plus strand). Cytogenetic location: 13q14.3.
Variant type: single nucleotide variant.
Coding change: c.331C>T on transcript NM_024570.4 (MANE Select); coding-DNA position 331, C replaced by T.
Protein change: p.Gln111Ter; replaces glutamine 111 with a stop codon.
Molecular consequence: nonsense.
Genome position (GRCh38, 1-based): chr13:50,934,894, C>T. VCF-style: chr13-50934894-C-T. GRCh37 (hg19) VCF-style: chr13-51509030-C-T.
Other names: c.331C>T, p.Gln111Ter (NM_001142279.2); c.331C>T (NM_024570.3); short protein forms Q111*.
Identifiers: ClinVar variation 1456507 (VCV001456507.8), dbSNP rs2137952274, ClinGen allele CA388259112.
Genomic context (GRCh38, chr13:50,934,894, plus strand): 5'-GAATGTCTTTGTTGAATGAAATGCTTGCTTTCCAACTAACTGTTTTTTCAGGGGAAGTTT[C>T]AGCCCCTTGATCAAGTTGTGGTGGATAACGTGTTTCCAAATTGCATCTTGTTGCTGAAAC-3'